The following is an entry in ClinVar:

ClinVar aggregate classification (germline): Benign/Likely benign. Review status: criteria provided, multiple submitters, no conflicts (2 of 4 stars). 4 submissions from 4 submitters: Benign (1); Likely benign (3). Last evaluated 2026-05-20.

Conditions:
Hereditary cancer-predisposing syndrome. Also called: Hereditary neoplastic syndrome; Neoplastic Syndromes, Hereditary; Hereditary Cancer Syndrome; Tumor predisposition. Identifiers: Orphanet 140162, MedGen C0027672, MeSH D009386, MONDO:0015356.
Neurofibromatosis, type 1 (NF1). Also called: NEUROFIBROMATOSIS, TYPE I, SOMATIC; Neurofibromatosis, type I; VON RECKLINGHAUSEN DISEASE; Peripheral type neurofibromatosis. Identifiers: Orphanet 636, MedGen C0027831, MONDO:0018975, OMIM 162200. Disease mechanism: loss of function.

Submissions (4):

Myriad Genetics, Inc.
Classification: Benign for Neurofibromatosis, type 1. Last evaluated: 2026-05-20. Review status: criteria provided, single submitter. Criteria: Myriad Autosomal Dominant, Autosomal Recessive and X-Linked Classification Criteria (2023). Collection method: clinical testing. Allele origin: unknown.
Comment: This variant is considered benign. This variant is a silent/synonymous amino acid change and it is not expected to impact splicing.

Labcorp Genetics (formerly Invitae), Labcorp
Classification: Likely benign for Neurofibromatosis, type 1. Last evaluated: 2025-03-17. Review status: criteria provided, single submitter. Criteria: Invitae Variant Classification Sherloc (09022015). Collection method: clinical testing. Allele origin: germline.

Genome-Nilou Lab
Classification: Likely benign for Neurofibromatosis, type 1. Last evaluated: 2022-03-15. Review status: criteria provided, single submitter. Criteria: ACMG Guidelines, 2015. Collection method: clinical testing. Allele origin: germline. Affected: no.

Ambry Genetics
Classification: Likely benign for Hereditary cancer-predisposing syndrome. Last evaluated: 2015-05-06. Review status: criteria provided, single submitter. Criteria: Ambry Autosomal Dominant and X-Linked criteria (10/2015). Collection method: clinical testing. Allele origin: germline. Observed: 1 variant allele.

NM_001042492.3(NF1):c.3318C>T (p.Tyr1106=)

Gene: NF1 (neurofibromin 1; plus strand). Cytogenetic location: 17q11.2.
Variant type: single nucleotide variant.
Coding change: c.3318C>T on transcript NM_001042492.3 (MANE Select); coding-DNA position 3318, C replaced by T.
Protein change: p.Tyr1106=; no amino-acid change (tyrosine 1106 retained).
Molecular consequence: synonymous variant.
Genome position (GRCh38, 1-based): chr17:31,232,703, C>T. VCF-style: chr17-31232703-C-T. GRCh37 (hg19) VCF-style: chr17-29559721-C-T.
Other names: c.3318C>T, p.Tyr1106= (NM_000267.4).
Identifiers: ClinVar variation 231672 (VCV000231672.12), dbSNP rs876659289, ClinGen allele CA10580280.